The following is an entry in ClinVar:

NM_004526.4(MCM2):c.1685G>A (p.Arg562Gln)

Gene: MCM2 (minichromosome maintenance complex component 2; plus strand). Cytogenetic location: 3q21.3.
Variant type: single nucleotide variant.
Coding change: c.1685G>A on transcript NM_004526.4 (MANE Select); coding-DNA position 1685, G replaced by A.
Protein change: p.Arg562Gln; replaces arginine 562 with glutamine.
Molecular consequence: missense variant. On other transcripts: non-coding transcript variant (1).
Genome position (GRCh38, 1-based): chr3:127,617,030, G>A. VCF-style: chr3-127617030-G-A. GRCh37 (hg19) VCF-style: chr3-127335873-G-A.
Other names: c.1685G>A (NM_004526.2, NM_004526.3); short protein forms R562Q.
Identifiers: ClinVar variation 1446646 (VCV001446646.8), dbSNP rs199793381, ClinGen allele CA2595978.

ClinVar aggregate classification (germline): Uncertain significance. Review status: criteria provided, multiple submitters, no conflicts (2 of 4 stars). 3 submissions from 3 submitters: Uncertain significance (3). Last evaluated 2025-11-04.

Conditions:
MCM2-related disorder. Also called: MCM2-related condition.

Allele frequency attached by ClinVar (database versions not stated): ESP Exome Variant Server 0.00008.
gnomAD v4.1: 251 of 1,614,068 alleles (0.016%); highest among the groups gnomAD compares: Non-Finnish European, 0.018%; no homozygotes.

Submissions (3):

Labcorp Genetics (formerly Invitae), Labcorp
Classification: Uncertain significance. Last evaluated: 2025-11-04. Review status: criteria provided, single submitter. Criteria: Invitae Variant Classification Sherloc (09022015). Collection method: clinical testing. Allele origin: germline.
Comment: This sequence change replaces arginine, which is basic and polar, with glutamine, which is neutral and polar, at codon 562 of the MCM2 protein (p.Arg562Gln). This variant is present in population databases (rs199793381, gnomAD 0.03%), and has an allele count higher than expected for a pathogenic variant. This variant has not been reported in the literature in individuals affected with MCM2-related conditions. ClinVar contains an entry for this variant (Variation ID: 1446646). An algorithm developed to predict the effect of missense changes on protein structure and function outputs the following: PolyPhen-2: "Possibly Damaging". The glutamine amino acid residue is found in multiple mammalian species, which suggests that this missense change does not adversely affect protein function. In summary, the available evidence is currently insufficient to determine the role of this variant in disease. Therefore, it has been classified as a Variant of Uncertain Significance.

PreventionGenetics, part of Exact Sciences
Classification: Uncertain significance for MCM2-related condition. Last evaluated: 2025-04-02. Review status: criteria provided, single submitter. Criteria: ACMG Guidelines, 2015. Collection method: clinical testing. Allele origin: germline.
Comment: The MCM2 c.1685G>A variant is predicted to result in the amino acid substitution p.Arg562Gln. To our knowledge, this variant has not been reported in the literature. This variant is reported in 0.027% of alleles in individuals of European (Non-Finnish) descent in gnomAD. Although we suspect that this variant may be benign, at this time, the clinical significance of this variant is uncertain due to the absence of conclusive functional and genetic evidence.

Ambry Genetics
Classification: Uncertain significance. Last evaluated: 2021-09-15. Review status: criteria provided, single submitter. Criteria: Ambry Variant Classification Scheme 2023. Collection method: clinical testing. Allele origin: germline.